The following is an entry in ClinVar:

NM_001365536.1(SCN9A):c.2680del (p.Glu894fs)

Genes: SCN1A-AS1 (SCN1A and SCN9A antisense RNA 1; plus strand), SCN9A (sodium voltage-gated channel alpha subunit 9; minus strand). Cytogenetic location: 2q24.3.
Variant type: Deletion.
Coding change: c.2680del on transcript NM_001365536.1 (MANE Select); coding-DNA position 2680, one base deleted (G; older notation c.2680delG).
Protein change: p.Glu894fs; shifts the reading frame from glutamic acid 894.
Molecular consequence: frameshift variant. On other transcripts: non-coding transcript variant (1).
Genome position (GRCh38, 1-based): chr2:166,277,177, C deleted on the plus strand (G on the coding strand, the reverse complement: SCN9A is on the minus strand). VCF-style (leftmost placement, unchanged base first): chr2-166277176-TC-T. GRCh37 (hg19) VCF-style: chr2-167133686-TC-T.
Other names: c.2647del, p.Glu883fs (NM_002977.4); short protein forms E883fs, E894fs.
Identifiers: ClinVar variation 3572929 (VCV003572929.2).

ClinVar aggregate classification (germline): Likely pathogenic (1 of 4 stars; one submission).

Conditions:
Primary erythromelalgia. Also called: SCN9A Erythromelalgia (SCN9A-EM); primary erythermalgia. Identifiers: Orphanet 306577, Orphanet 90026, MedGen C0014805, MONDO:0007571, OMIM 133020.

Submission:

Genomics, Clalit Research Institute, Clalit Health Care
Classification: Likely pathogenic for Primary erythromelalgia. Last evaluated: 2024-10-10. Review status: criteria provided, single submitter. Criteria: ACMG Guidelines, 2015. Collection method: clinical testing. Allele origin: germline. Inheritance: Autosomal dominant inheritance. Affected: yes. Observed: 1 heterozygote.
Comment: Frequency: The variant is absent from the gnomAD reference population dataset. Variant type: Null variant (frameshift) in a gene where loss of function is a known mechanism of disease. Predicted to undergo NMD.